The following is an entry in ClinVar:

NM_006009.4(TUBA1A):c.479A>T (p.Asp160Val)

Gene: TUBA1A (tubulin alpha 1a; minus strand). Cytogenetic location: 12q13.12.
Variant type: single nucleotide variant.
Coding change: c.479A>T on transcript NM_006009.4 (MANE Select); coding-DNA position 479, A replaced by T.
Protein change: p.Asp160Val; replaces aspartic acid 160 with valine.
Molecular consequence: missense variant.
Genome position (GRCh38, 1-based): chr12:49,185,887, T>A on the plus strand (A>T on the coding strand, the complement: TUBA1A is on the minus strand). VCF-style: chr12-49185887-T-A. GRCh37 (hg19) VCF-style: chr12-49579670-T-A.
Other names: c.479A>T, p.Asp160Val (NM_001270399.2); c.374A>T, p.Asp125Val (NM_001270400.2); short protein forms D125V, D160V.
Identifiers: ClinVar variation 3367180 (VCV003367180.2).

ClinVar aggregate classification (germline): Uncertain significance. Review status: criteria provided, multiple submitters, no conflicts (2 of 4 stars). 2 submissions from 2 submitters: Uncertain significance (2). Last evaluated 2025-10-28.

Conditions:
Lissencephaly due to TUBA1A mutation (CDCBM16). Also called: CORTICAL DYSPLASIA, COMPLEX, WITH OTHER BRAIN MALFORMATIONS 16; Lissencephaly 3. Identifiers: Orphanet 171680, MedGen C4305153, MONDO:0012703, OMIM 611603.

Submissions (2):

3billion
Classification: Uncertain significance for Lissencephaly due to TUBA1A mutation. Last evaluated: 2025-10-28. Review status: criteria provided, single submitter. Criteria: ACMG Guidelines, 2015. Collection method: clinical testing. Allele origin: germline. Affected: yes.
Comment: The variant is not observed in the gnomAD v4.1.0 dataset. Predicted Consequence/Location: Missense variant. Missense changes are a common disease-causing mechanism. In silico tool predictions suggest damaging effect of the variant on gene or gene product [REVEL: 0.82 (>=0.6, sensitivity 0.68 and specificity 0.92); 3Cnet: 0.99 (> 0.75, sensitivity 0.96 and precision 0.92)]. The variant has been reported as of uncertain significance (ClinVar ID: VCV003367180). Therefore, this variant is classified as VUS according to the recommendation of ACMG/AMP guideline.

Diagnostics Services (NGS), CSIR - Centre For Cellular And Molecular Biology
Classification: Uncertain significance for Lissencephaly due to TUBA1A mutation. Last evaluated: 2024-09-27. Review status: criteria provided, single submitter. Criteria: ACMG Guidelines, 2015. Collection method: clinical testing. Allele origin: unknown. Affected: yes. Observed: 1 variant allele, 1 heterozygote.
Comment: The c.479A>T variant is not present in publicly available population databases like 1000 Genomes, EVS, ExAC, gnomAD, Indian Exome Database or our in-house exome database. This variant has neither been published in literature in individuals affected with TUBA1A-related conditions nor reported to the clinical databases like ClinVar, Human Genome Mutation Database (HGMD) or OMIM, in any affected individuals. In-silico pathogenicity prediction programs like SIFT, MutationTaster2, CADD, Franklin, InterVar etc predicted this variant to be likely deleterious, however these predictions were not confirmed by published functional studies. This variant is present in a mutational hotspot region of the gene as predicted by published studies [PMID: 30744660; 36206299].